The following is an entry in ClinVar:

ClinVar aggregate classification (germline): Likely pathogenic (1 of 4 stars; one submission).

Submission:

GeneDx
Classification: Likely pathogenic. Last evaluated: 2015-06-03. Review status: criteria provided, single submitter. Criteria: GeneDx Variant Classification (06012015). Collection method: clinical testing. Allele origin: germline. Affected: yes.
Comment: The c.799dupT variant in the ZBTB18 gene has not been reported previously as a pathogenic variant nor as a benign polymorphism, to our knowledge. The c.799dupT variant causes a frameshift starting with codon Tyrosine 267, changes this amino acid to a Leucine residue, and creates a premature Stop codon at position 24 of the new reading frame, denoted p.Tyr267LeufsX24. This variant is predicted to cause loss of normal protein function through protein truncation. The c.799dupT variant was not observed in approximately 6,500 individuals of European and African American ancestry in the NHLBI Exome Sequencing Project, indicating it is not a common benign variant in these populations. The c.799dupT variant is a strong candidate for a pathogenic varinat, however, the possibility it may be a rare benign variant cannot be excluded.

NM_205768.3(ZBTB18):c.799dup (p.Tyr267fs)

Gene: ZBTB18 (zinc finger and BTB domain containing 18; plus strand). Cytogenetic location: 1q44.
Variant type: Duplication.
Coding change: c.799dup on transcript NM_205768.3 (MANE Select); coding-DNA position 799, one base duplicated (T; older notation c.799dupT).
Protein change: p.Tyr267fs; shifts the reading frame from tyrosine 267.
Molecular consequence: frameshift variant.
Genome position (GRCh38, 1-based): chr1:244,054,573, T duplicated; the last of 2 consecutive T bases (chr1:244,054,572-244,054,573); duplicating either gives the same sequence. VCF-style (leftmost placement, unchanged base first): chr1-244054571-C-CT. GRCh37 (hg19) VCF-style: chr1-244217873-C-CT.
Other names: c.799dupT (NM_205768.2); c.772dup, p.Tyr258fs (NM_001278196.2); c.772dup, p.Tyr258Leufs (NM_006352.5); short protein forms Y267fs, Y258fs.
Identifiers: ClinVar variation 419173 (VCV000419173.2), dbSNP rs1553270468, ClinGen allele CA16617121.